The following is an entry in ClinVar:

NM_032638.5(GATA2):c.1198A>T (p.Met400Leu)

Gene: GATA2 (GATA binding protein 2; minus strand). Cytogenetic location: 3q21.3.
Variant type: single nucleotide variant.
Coding change: c.1198A>T on transcript NM_032638.5 (MANE Select); coding-DNA position 1198, A replaced by T.
Protein change: p.Met400Leu; replaces methionine 400 with leucine.
Molecular consequence: missense variant.
Genome position (GRCh38, 1-based): chr3:128,481,264, T>A on the plus strand (A>T on the coding strand, the complement: GATA2 is on the minus strand). VCF-style: chr3-128481264-T-A. GRCh37 (hg19) VCF-style: chr3-128200107-T-A.
Other names: c.1198A>T (NM_032638.4); c.1198A>T, p.Met400Leu (NM_001145661.2); c.1156A>T, p.Met386Leu (NM_001145662.1); short protein forms M386L, M400L.
Identifiers: ClinVar variation 1491880 (VCV001491880.7), dbSNP rs2068624795, ClinGen allele CA354413192.

ClinVar aggregate classification (germline): Uncertain significance. Review status: criteria provided, multiple submitters, no conflicts (2 of 4 stars). 2 submissions from 2 submitters: Uncertain significance (2). Last evaluated 2025-02-05.

Conditions:
Inborn genetic diseases. Identifiers: MedGen C0950123, MeSH D030342.
Monocytopenia with susceptibility to infections. Also called: MONOCYTOPENIA AND MYCOBACTERIAL INFECTION SYNDROME; MONOCYTOPENIA WITH SUSCEPTIBILITY TO MYCOBACTERIAL, FUNGAL, AND PAPILLOMAVIRUS INFECTIONS AND MYELODYSPLASIA; COMBINED IMMUNODEFICIENCY WITH SUSCEPTIBILITY TO MYCOBACTERIAL, VIRAL, AND FUNGAL INFECTIONS; Dendritic cell, monocyte, B lymphocyte, and natural killer lymphocyte deficiency; IMMUNODEFICIENCY 21; GATA2 DEFICIENCY. Identifiers: Orphanet 228423, MedGen C3280030, MONDO:0013607, OMIM 614172.
Deafness-lymphedema-leukemia syndrome. Also called: Lymphedema, primary, with myelodysplasia; Emberger syndrome. Identifiers: Orphanet 3226, MedGen C3279664, MONDO:0013540, OMIM 614038.

gnomAD v4.1: 1 of 1,614,220 alleles (0.000062%); highest among the groups gnomAD compares: East Asian, 0.0022%; no homozygotes.

Submissions (2):

Ambry Genetics
Classification: Uncertain significance for Inborn genetic diseases. Last evaluated: 2025-02-05. Review status: criteria provided, single submitter. Criteria: Ambry Variant Classification Scheme 2023. Collection method: clinical testing. Allele origin: germline.
Comment: The p.M400L variant (also known as c.1198A>T), located in coding exon 5 of the GATA2 gene, results from an A to T substitution at nucleotide position 1198. The methionine at codon 400 is replaced by leucine, an amino acid with highly similar properties. This amino acid position is highly conserved in available vertebrate species. In addition, this alteration is predicted to be deleterious by in silico analysis. Based on the available evidence, the clinical significance of this variant remains unclear.

Labcorp Genetics (formerly Invitae), Labcorp
Classification: Uncertain significance for Monocytopenia with susceptibility to infections; Deafness-lymphedema-leukemia syndrome. Last evaluated: 2021-09-20. Review status: criteria provided, single submitter. Criteria: Invitae Variant Classification Sherloc (09022015). Collection method: clinical testing. Allele origin: germline.
Comment: This variant is not present in population databases (ExAC no frequency). This variant has not been reported in the literature in individuals affected with GATA2-related conditions. Algorithms developed to predict the effect of missense changes on protein structure and function are either unavailable or do not agree on the potential impact of this missense change (SIFT: "Tolerated"; PolyPhen-2: "Possibly Damaging"; Align-GVGD: "Class C0"). In summary, the available evidence is currently insufficient to determine the role of this variant in disease. Therefore, it has been classified as a Variant of Uncertain Significance. This sequence change replaces methionine with leucine at codon 400 of the GATA2 protein (p.Met400Leu). The methionine residue is moderately conserved and there is a small physicochemical difference between methionine and leucine.